The following is an entry in ClinVar:

NM_005076.5(CNTN2):c.2686A>T (p.Thr896Ser)

Gene: CNTN2 (contactin 2; plus strand). Cytogenetic location: 1q32.1.
Variant type: single nucleotide variant.
Coding change: c.2686A>T on transcript NM_005076.5 (MANE Select); coding-DNA position 2686, A replaced by T.
Protein change: p.Thr896Ser; replaces threonine 896 with serine.
Molecular consequence: missense variant. On other transcripts: non-coding transcript variant (1).
Genome position (GRCh38, 1-based): chr1:205,072,088, A>T. VCF-style: chr1-205072088-A-T. GRCh37 (hg19) VCF-style: chr1-205041216-A-T.
Other names: c.2686A>T, p.Thr896Ser (NM_001346083.2); short protein forms T896S.
Identifiers: ClinVar variation 572166 (VCV000572166.8), dbSNP rs201649365, ClinGen allele CA1351762.

ClinVar aggregate classification (germline): Uncertain significance. Review status: criteria provided, multiple submitters, no conflicts (2 of 4 stars). 2 submissions from 2 submitters: Uncertain significance (2). Last evaluated 2025-11-10.

Conditions:
Epilepsy, familial adult myoclonic, 5 (EPEO5). Also called: CORTICAL MYOCLONIC TREMOR WITH EPILEPSY, FAMILIAL, 5. Identifiers: Orphanet 86814, MedGen C3809374, MONDO:0014167, OMIM 615400.

Allele frequency attached by ClinVar (database versions not stated): gnomAD 0.00005; gnomAD exomes 0.00006 and 0.00014; 1000 Genomes Project 30x 0.00031; TOPMed 0.00003; ExAC 0.00006; 1000 Genomes Project 0.00020.
gnomAD v4.1: 207 of 1,613,658 alleles (0.013%); highest among the groups gnomAD compares: Non-Finnish European, 0.017%; no homozygotes.

Submissions (2):

Labcorp Genetics (formerly Invitae), Labcorp
Classification: Uncertain significance for Epilepsy, familial adult myoclonic, 5. Last evaluated: 2025-11-10. Review status: criteria provided, single submitter. Criteria: Invitae Variant Classification Sherloc (09022015). Collection method: clinical testing. Allele origin: germline.
Comment: This sequence change replaces threonine, which is neutral and polar, with serine, which is neutral and polar, at codon 896 of the CNTN2 protein (p.Thr896Ser). This variant is present in population databases (rs201649365, gnomAD 0.01%). This variant has not been reported in the literature in individuals affected with CNTN2-related conditions. ClinVar contains an entry for this variant (Variation ID: 572166). Invitae Evidence Modeling of protein sequence and biophysical properties (such as structural, functional, and spatial information, amino acid conservation, physicochemical variation, residue mobility, and thermodynamic stability) indicates that this missense variant is not expected to disrupt CNTN2 protein function with a negative predictive value of 95%. In summary, the available evidence is currently insufficient to determine the role of this variant in disease. Therefore, it has been classified as a Variant of Uncertain Significance.

Ambry Genetics
Classification: Uncertain significance. Last evaluated: 2024-06-10. Review status: criteria provided, single submitter. Criteria: Ambry Variant Classification Scheme 2023. Collection method: clinical testing. Allele origin: germline.